The following is an entry in ClinVar:

NM_002439.5(MSH3):c.1731G>C (p.Lys577Asn)

Gene: MSH3 (mutS homolog 3; plus strand). Cytogenetic location: 5q14.1.
Variant type: single nucleotide variant.
Coding change: c.1731G>C on transcript NM_002439.5 (MANE Select); coding-DNA position 1731, G replaced by C.
Protein change: p.Lys577Asn; replaces lysine 577 with asparagine.
Molecular consequence: missense variant.
Genome position (GRCh38, 1-based): chr5:80,744,583, G>C. VCF-style: chr5-80744583-G-C. GRCh37 (hg19) VCF-style: chr5-80040402-G-C.
Other names: short protein forms K577N.
Identifiers: ClinVar variation 851898 (VCV000851898.10), dbSNP rs1743681162, ClinGen allele CA360274783.
Genomic context (GRCh38, chr5:80,744,583, plus strand): 5'-AGGAAGTTTGCTGTGGGTTTTAGACCACACTAAAACTTCATTTGGGAGACGGAAGTTAAA[G>C]AAGTGGGTGACCCAGCCACTCCTTAAATTAAGGTAAAAGGAATTCTTTTTGGGGTGTTTA-3'
Protein context (NP_002430.3, residues 567-587): TKTSFGRRKL[Lys577Asn]KWVTQPLLKL

ClinVar aggregate classification (germline): Uncertain significance (1 of 4 stars; one submission).

Submission:

Labcorp Genetics (formerly Invitae), Labcorp
Classification: Uncertain significance. Last evaluated: 2019-12-19. Review status: criteria provided, single submitter. Criteria: Invitae Variant Classification Sherloc (09022015). Collection method: clinical testing. Allele origin: germline.
Comment: This variant is not present in population databases (ExAC no frequency). In summary, the available evidence is currently insufficient to determine the role of this variant in disease. Therefore, it has been classified as a Variant of Uncertain Significance. Algorithms developed to predict the effect of missense changes on protein structure and function are either unavailable or do not agree on the potential impact of this missense change (SIFT: "Deleterious"; PolyPhen-2: "Possibly Damaging"; Align-GVGD: "Class C0"). This variant has not been reported in the literature in individuals with MSH3-related conditions. This sequence change replaces lysine with asparagine at codon 577 of the MSH3 protein (p.Lys577Asn). The lysine residue is highly conserved and there is a moderate physicochemical difference between lysine and asparagine.